The following is an entry in ClinVar:

NM_005751.5(AKAP9):c.7337T>C (p.Ile2446Thr)

Gene: AKAP9 (A-kinase anchoring protein 9; plus strand). Cytogenetic location: 7q21.2.
Variant type: single nucleotide variant.
Coding change: c.7337T>C on transcript NM_005751.5 (MANE Select); coding-DNA position 7337, T replaced by C.
Protein change: p.Ile2446Thr; replaces isoleucine 2446 with threonine.
Molecular consequence: missense variant.
Genome position (GRCh38, 1-based): chr7:92,079,470, T>C. VCF-style: chr7-92079470-T-C. GRCh37 (hg19) VCF-style: chr7-91708784-T-C.
Other names: c.1982T>C, p.Ile661Thr (NM_001379277.1); c.7313T>C, p.Ile2438Thr (NM_147185.3); short protein forms I2446T, I661T, I2438T.
Identifiers: ClinVar variation 3517178 (VCV003517178.1).
Genomic context (GRCh38, chr7:92,079,470, plus strand): 5'-TAACACAGGAATTATTCAGCTTAAAGAGAGAACGTGAAAGTGTGGAAAAGATTCAAAGCA[T>C]ACCAGAGAATAGTGTTAACGTGGCTATAGATCATCTGAGCAAAGACAAACCTGAACTAGA-3'
Protein context (NP_005742.4, residues 2436-2456): ERESVEKIQS[Ile2446Thr]PENSVNVAID

ClinVar aggregate classification (germline): Uncertain significance (1 of 4 stars; one submission).

Conditions:
Cardiovascular phenotype. Identifiers: MedGen CN230736.

Submission:

Ambry Genetics
Classification: Uncertain significance for Cardiovascular phenotype. Last evaluated: 2024-11-05. Review status: criteria provided, single submitter. Criteria: Ambry Variant Classification Scheme 2023. Collection method: clinical testing. Allele origin: germline.
Comment: The p.I2446T variant (also known as c.7337T>C), located in coding exon 31 of the AKAP9 gene, results from a T to C substitution at nucleotide position 7337. The isoleucine at codon 2446 is replaced by threonine, an amino acid with similar properties. This amino acid position is conserved. In addition, this alteration is predicted to be tolerated by in silico analysis. Based on the available evidence, the clinical significance of this variant remains unclear.